The following is an entry in ClinVar:

ClinVar aggregate classification (germline): Uncertain significance (1 of 4 stars; one submission).

Submission:

Labcorp Genetics (formerly Invitae), Labcorp
Classification: Uncertain significance. Last evaluated: 2023-07-21. Review status: criteria provided, single submitter. Criteria: Invitae Variant Classification Sherloc (09022015). Collection method: clinical testing. Allele origin: germline.
Comment: This variant has not been reported in the literature in individuals affected with GPR45-related conditions. In summary, the available evidence is currently insufficient to determine the role of this variant in disease. Therefore, it has been classified as a Variant of Uncertain Significance. An algorithm developed to predict the effect of missense changes on protein structure and function (PolyPhen-2) suggests that this variant is likely to be disruptive. ClinVar contains an entry for this variant (Variation ID: 2116044). This variant is not present in population databases (gnomAD no frequency). This sequence change replaces cysteine, which is neutral and slightly polar, with serine, which is neutral and polar, at codon 335 of the GPR45 protein (p.Cys335Ser).

NM_007227.3(GPR45):c.1004G>C (p.Cys335Ser)

Gene: GPR45 (G protein-coupled receptor 45; plus strand). Cytogenetic location: 2q12.1.
Variant type: single nucleotide variant.
Coding change: c.1004G>C on transcript NM_007227.3 (MANE Select); coding-DNA position 1004, G replaced by C.
Protein change: p.Cys335Ser; replaces cysteine 335 with serine.
Molecular consequence: missense variant.
Genome position (GRCh38, 1-based): chr2:105,242,862, G>C. VCF-style: chr2-105242862-G-C. GRCh37 (hg19) VCF-style: chr2-105859319-G-C.
Other names: short protein forms C335S.
Identifiers: ClinVar variation 2116044 (VCV002116044.4), dbSNP rs2466839347, ClinGen allele CA348101699.